The following is an entry in ClinVar:

ClinVar aggregate classification (germline): Uncertain significance (1 of 4 stars; one submission).

Conditions:
Glycogen storage disease, type II (IOPD). Also called: POMPE DISEASE, INFANTILE-ONSET; GLYCOGEN STORAGE DISEASE II, INFANTILE-ONSET; ACID ALPHA-GLUCOSIDASE DEFICIENCY, INFANTILE-ONSET; GAA DEFICIENCY, INFANTILE-ONSET; ACID MALTASE DEFICIENCY, INFANTILE-ONSET; CARDIOMEGALIA GLYCOGENICA DIFFUSA. Identifiers: Orphanet 365, MedGen C0017921, MONDO:0009290, OMIM 232300.

Submission:

Labcorp Genetics (formerly Invitae), Labcorp
Classification: Uncertain significance for Glycogen storage disease, type II. Last evaluated: 2025-04-28. Review status: criteria provided, single submitter. Criteria: Invitae Variant Classification Sherloc (09022015). Collection method: clinical testing. Allele origin: germline.
Comment: This sequence change replaces proline, which is neutral and non-polar, with leucine, which is neutral and non-polar, at codon 65 of the GAA protein (p.Pro65Leu). This variant is not present in population databases (gnomAD no frequency). This variant has not been reported in the literature in individuals affected with GAA-related conditions. ClinVar contains an entry for this variant (Variation ID: 2148666). Invitae Evidence Modeling of protein sequence and biophysical properties (such as structural, functional, and spatial information, amino acid conservation, physicochemical variation, residue mobility, and thermodynamic stability) indicates that this missense variant is not expected to disrupt GAA protein function with a negative predictive value of 95%. In summary, the available evidence is currently insufficient to determine the role of this variant in disease. Therefore, it has been classified as a Variant of Uncertain Significance.

NM_000152.5(GAA):c.194C>T (p.Pro65Leu)

Gene: GAA (alpha glucosidase; plus strand). Cytogenetic location: 17q25.3.
Variant type: single nucleotide variant.
Coding change: c.194C>T on transcript NM_000152.5 (MANE Select); coding-DNA position 194, C replaced by T.
Protein change: p.Pro65Leu; replaces proline 65 with leucine.
Molecular consequence: missense variant.
Genome position (GRCh38, 1-based): chr17:80,104,780, C>T. VCF-style: chr17-80104780-C-T. GRCh37 (hg19) VCF-style: chr17-78078579-C-T.
Other names: c.194C>T, p.Pro65Leu (NM_001079803.3, NM_001079804.3, NM_001406741.1 and 1 more transcripts); short protein forms P65L.
Identifiers: ClinVar variation 2148666 (VCV002148666.4), dbSNP rs1482530928, ClinGen allele CA401360435.
Genomic context (GRCh38, chr17:80,104,780, plus strand): 5'-CCTCCCCAGTCCTGGAGGAGACTCACCCAGCTCACCAGCAGGGAGCCAGCAGACCAGGGC[C>T]CCGGGATGCCCAGGCACACCCCGGCCGTCCCAGAGCAGTGCCCACACAGTGCGACGTCCC-3'
Protein context (NP_000143.2, residues 55-75): AHQQGASRPG[Pro65Leu]RDAQAHPGRP